The following is an entry in ClinVar:

NM_001010874.5(TECRL):c.94A>G (p.Asn32Asp)

Gene: TECRL (trans-2,3-enoyl-CoA reductase like; minus strand). Cytogenetic location: 4q13.1.
Variant type: single nucleotide variant.
Coding change: c.94A>G on transcript NM_001010874.5 (MANE Select); coding-DNA position 94, A replaced by G.
Protein change: p.Asn32Asp; replaces asparagine 32 with aspartic acid.
Molecular consequence: missense variant.
Genome position (GRCh38, 1-based): chr4:64,409,258, T>C on the plus strand (A>G on the coding strand, the complement: TECRL is on the minus strand). VCF-style: chr4-64409258-T-C. GRCh37 (hg19) VCF-style: chr4-65274976-T-C.
Other names: c.94A>G, p.Asn32Asp (NM_001363796.1); short protein forms N32D.
Identifiers: ClinVar variation 3232354 (VCV003232354.1), dbSNP rs1724940055, ClinGen allele CA357149314.

ClinVar aggregate classification (germline): Uncertain significance (1 of 4 stars; one submission).

Conditions:
Cardiovascular phenotype. Identifiers: MedGen CN230736.

Allele frequency attached by ClinVar (database versions not stated): TOPMed below 0.00001.

Submission:

Ambry Genetics
Classification: Uncertain significance for Cardiovascular phenotype. Last evaluated: 2023-12-16. Review status: criteria provided, single submitter. Criteria: Ambry Variant Classification Scheme 2023. Collection method: clinical testing. Allele origin: germline.
Comment: The p.N32D variant (also known as c.94A>G), located in coding exon 1 of the TECRL gene, results from an A to G substitution at nucleotide position 94. The asparagine at codon 32 is replaced by aspartic acid, an amino acid with highly similar properties. This amino acid position is conserved. In addition, this alteration is predicted to be tolerated by in silico analysis. Since supporting evidence is limited at this time, the clinical significance of this alteration remains unclear.